The following is an entry in ClinVar:

ClinVar aggregate classification (germline): Uncertain significance (1 of 4 stars; one submission).

Conditions:
Inborn genetic diseases. Identifiers: MedGen C0950123, MeSH D030342.

Submission:

Ambry Genetics
Classification: Uncertain significance for Inborn genetic diseases. Last evaluated: 2026-06-01. Review status: criteria provided, single submitter. Criteria: Ambry Variant Classification Scheme 2023. Collection method: clinical testing. Allele origin: germline.
Comment: The p.N307S variant (also known as c.920A>G), located in coding exon 3 of the MBD4 gene, results from an A to G substitution at nucleotide position 920. The asparagine at codon 307 is replaced by serine, an amino acid with highly similar properties. This amino acid position is conserved. In addition, this alteration is predicted to be tolerated by in silico analysis. Based on the available evidence, the clinical significance of this variant remains unclear.

NM_001276270.2(MBD4):c.920A>G (p.Asn307Ser)

Gene: MBD4 (methyl-CpG binding domain 4, DNA glycosylase; minus strand). Cytogenetic location: 3q21.3.
Variant type: single nucleotide variant.
Coding change: c.920A>G on transcript NM_001276270.2 (MANE Select); coding-DNA position 920, A replaced by G.
Protein change: p.Asn307Ser; replaces asparagine 307 with serine.
Molecular consequence: missense variant. On other transcripts: intron variant (1).
Genome position (GRCh38, 1-based): chr3:129,436,724, T>C on the plus strand (A>G on the coding strand, the complement: MBD4 is on the minus strand). VCF-style: chr3-129436724-T-C. GRCh37 (hg19) VCF-style: chr3-129155567-T-C.
Other names: c.920A>G, p.Asn307Ser (NM_001276271.2, NM_001276272.2, NM_003925.3); c.247+1084A>G (NM_001276273.2); short protein forms N307S.
Identifiers: ClinVar variation 4859621 (VCV004859621.1).